The following is an entry in ClinVar:

ClinVar aggregate classification (germline): Uncertain significance (1 of 4 stars; one submission).

Allele frequency attached by ClinVar (database versions not stated): gnomAD exomes 0.00002.
gnomAD v4.1: 31 of 1,613,158 alleles (0.0019%); highest among the groups gnomAD compares: Non-Finnish European, 0.0026%; 1 homozygote.

Submission:

Labcorp Genetics (formerly Invitae), Labcorp
Classification: Uncertain significance. Last evaluated: 2022-11-28. Review status: criteria provided, single submitter. Criteria: Invitae Variant Classification Sherloc (09022015). Collection method: clinical testing. Allele origin: germline.
Comment: This sequence change replaces leucine, which is neutral and non-polar, with histidine, which is basic and polar, at codon 710 of the MCM4 protein (p.Leu710His). This variant is not present in population databases (gnomAD no frequency). This variant has not been reported in the literature in individuals affected with MCM4-related conditions. Advanced modeling of protein sequence and biophysical properties (such as structural, functional, and spatial information, amino acid conservation, physicochemical variation, residue mobility, and thermodynamic stability) performed at Invitae indicates that this missense variant is expected to disrupt MCM4 protein function. In summary, the available evidence is currently insufficient to determine the role of this variant in disease. Therefore, it has been classified as a Variant of Uncertain Significance.

NM_182746.3(MCM4):c.2129T>A (p.Leu710His)

Gene: MCM4 (minichromosome maintenance complex component 4; plus strand). Cytogenetic location: 8q11.21.
Variant type: single nucleotide variant.
Coding change: c.2129T>A on transcript NM_182746.3 (MANE Select); coding-DNA position 2129, T replaced by A.
Protein change: p.Leu710His; replaces leucine 710 with histidine.
Molecular consequence: missense variant.
Genome position (GRCh38, 1-based): chr8:47,973,057, T>A. VCF-style: chr8-47973057-T-A. GRCh37 (hg19) VCF-style: chr8-48885617-T-A.
Other names: c.2129T>A, p.Leu710His (NM_005914.4); short protein forms L710H.
Identifiers: ClinVar variation 1969497 (VCV001969497.5), dbSNP rs2551885033, ClinGen allele CA371155002.